The following is an entry in ClinVar:

NM_020433.5(JPH2):c.854C>G (p.Ala285Gly)

Gene: JPH2 (junctophilin 2; minus strand). Cytogenetic location: 20q13.12.
Variant type: single nucleotide variant.
Coding change: c.854C>G on transcript NM_020433.5 (MANE Select); coding-DNA position 854, C replaced by G.
Protein change: p.Ala285Gly; replaces alanine 285 with glycine.
Molecular consequence: missense variant.
Genome position (GRCh38, 1-based): chr20:44,159,933, G>C on the plus strand (C>G on the coding strand, the complement: JPH2 is on the minus strand). VCF-style: chr20-44159933-G-C. GRCh37 (hg19) VCF-style: chr20-42788573-G-C.
Other names: short protein forms A285G.
Identifiers: ClinVar variation 3227393 (VCV003227393.1), dbSNP rs1252094258, ClinGen allele CA409093532.

ClinVar aggregate classification (germline): Uncertain significance (1 of 4 stars; one submission).

Conditions:
Cardiovascular phenotype. Identifiers: MedGen CN230736.

Submission:

Ambry Genetics
Classification: Uncertain significance for Cardiovascular phenotype. Last evaluated: 2023-11-05. Review status: criteria provided, single submitter. Criteria: Ambry Variant Classification Scheme 2023. Collection method: clinical testing. Allele origin: germline.
Comment: The p.A285G variant (also known as c.854C>G), located in coding exon 2 of the JPH2 gene, results from a C to G substitution at nucleotide position 854. The alanine at codon 285 is replaced by glycine, an amino acid with similar properties. This amino acid position is conserved. In addition, this alteration is predicted to be tolerated by in silico analysis. Since supporting evidence is limited at this time, the clinical significance of this alteration remains unclear.